The following is an entry in ClinVar:

NM_000094.4(COL7A1):c.4119+1G>A

Gene: COL7A1 (collagen type VII alpha 1 chain; minus strand). Cytogenetic location: 3p21.31.
Variant type: single nucleotide variant.
Coding change: c.4119+1G>A on transcript NM_000094.4 (MANE Select); the canonical splice donor site of the intron after coding-DNA position 4119, G replaced by A.
Molecular consequence: splice donor variant.
Genome position (GRCh38, 1-based): chr3:48,584,484, C>T on the plus strand (G>A on the coding strand, the complement: COL7A1 is on the minus strand). VCF-style: chr3-48584484-C-T. GRCh37 (hg19) VCF-style: chr3-48621917-C-T.
Identifiers: ClinVar variation 3612194 (VCV003612194.2).

ClinVar aggregate classification (germline): Pathogenic (1 of 4 stars; one submission).

Submission:

Labcorp Genetics (formerly Invitae), Labcorp
Classification: Pathogenic. Last evaluated: 2024-04-06. Review status: criteria provided, single submitter. Criteria: Invitae Variant Classification Sherloc (09022015). Collection method: clinical testing. Allele origin: germline.
Comment: This sequence change affects a donor splice site in intron 35 of the COL7A1 gene. It is expected to disrupt RNA splicing. Variants that disrupt the donor or acceptor splice site typically lead to a loss of protein function (PMID: 16199547), and loss-of-function variants in COL7A1 are known to be pathogenic (PMID: 16971478). This variant is not present in population databases (gnomAD no frequency). Disruption of this splice site has been observed in individual(s) with recessive dystrophic epidermolysis bullosa (PMID: 9740253, 12813757). Algorithms developed to predict the effect of sequence changes on RNA splicing suggest that this variant may disrupt the consensus splice site. For these reasons, this variant has been classified as Pathogenic.

Literature cited by the submitters: PubMed 16199547; PubMed 16971478; PubMed 9740253; PubMed 12813757.